The following is an entry in ClinVar:

NM_199242.3(UNC13D):c.71G>A (p.Arg24His)

Gene: UNC13D (unc-13 homolog D; minus strand). Cytogenetic location: 17q25.1.
Variant type: single nucleotide variant.
Coding change: c.71G>A on transcript NM_199242.3 (MANE Select); coding-DNA position 71, G replaced by A.
Protein change: p.Arg24His; replaces arginine 24 with histidine.
Molecular consequence: missense variant.
Genome position (GRCh38, 1-based): chr17:75,844,267, C>T on the plus strand (G>A on the coding strand, the complement: UNC13D is on the minus strand). VCF-style: chr17-75844267-C-T. GRCh37 (hg19) VCF-style: chr17-73840348-C-T.
Other names: short protein forms R24H.
Identifiers: ClinVar variation 568424 (VCV000568424.24), dbSNP rs777619516, ClinGen allele CA8773687.

ClinVar aggregate classification (germline): Uncertain significance. Review status: criteria provided, multiple submitters, no conflicts (2 of 4 stars). 3 submissions from 3 submitters: Uncertain significance (3). Last evaluated 2025-01-31.

Conditions:
Familial hemophagocytic lymphohistiocytosis 3 (FHL3). Also called: UNC13D-Related Familial Hemophagocytic Lymphohistiocytosis (UNC13D-fHLH). Identifiers: Orphanet 540, MedGen C1837174, MONDO:0012146, OMIM 608898.

Allele frequency attached by ClinVar (database versions not stated): gnomAD exomes 0.00002 and 0.00006; ExAC 0.00006; TOPMed 0.00007.
gnomAD v4.1: 27 of 1,612,592 alleles (0.0017%); highest among the groups gnomAD compares: Admixed American, 0.023%; no homozygotes.

Submissions (3):

Labcorp Genetics (formerly Invitae), Labcorp
Classification: Uncertain significance for Familial hemophagocytic lymphohistiocytosis 3. Last evaluated: 2025-01-31. Review status: criteria provided, single submitter. Criteria: Invitae Variant Classification Sherloc (09022015). Collection method: clinical testing. Allele origin: germline.
Comment: This sequence change replaces arginine, which is basic and polar, with histidine, which is basic and polar, at codon 24 of the UNC13D protein (p.Arg24His). This variant is present in population databases (rs777619516, gnomAD 0.03%). This missense change has been observed in individual(s) with hemophagocytic lymphohistiocytosis (PMID: 29665027). ClinVar contains an entry for this variant (Variation ID: 568424). An algorithm developed to predict the effect of missense changes on protein structure and function (PolyPhen-2) suggests that this variant is likely to be disruptive. In summary, the available evidence is currently insufficient to determine the role of this variant in disease. Therefore, it has been classified as a Variant of Uncertain Significance.

CeGaT Center for Human Genetics Tuebingen
Classification: Uncertain significance. Last evaluated: 2024-09-01. Review status: criteria provided, single submitter. Criteria: CeGaT Center For Human Genetics Tuebingen Variant Classification Criteria Version 2. Collection method: clinical testing. Allele origin: germline. Affected: yes. Observed: 1 variant allele.
Comment: UNC13D: PM2, BP4

GeneDx
Classification: Uncertain significance. Last evaluated: 2024-04-30. Review status: criteria provided, single submitter. Criteria: GeneDx Variant Classification Process June 2021. Collection method: clinical testing. Allele origin: germline. Affected: yes.
Comment: In silico analysis indicates that this missense variant does not alter protein structure/function; Identified as a single UNC13D variant in the heterozygous state in an individual with hemophagocytic lymphohistiocytosis (PMID: 29665027); This variant is associated with the following publications: (PMID: 29665027)

Literature cited by the submitters: PubMed 29665027 (cited by Labcorp Genetics (formerly Invitae), Labcorp).